The following is an entry in ClinVar:

NM_002471.4(MYH6):c.92T>C (p.Phe31Ser)

Genes: MYH6 (myosin heavy chain 6; minus strand), LOC114827851 (VISTA enhancer hs2155; plus strand). Cytogenetic location: 14q11.2.
Variant type: single nucleotide variant.
Coding change: c.92T>C on transcript NM_002471.4 (MANE Select); coding-DNA position 92, T replaced by C.
Protein change: p.Phe31Ser; replaces phenylalanine 31 with serine.
Molecular consequence: missense variant.
Genome position (GRCh38, 1-based): chr14:23,407,132, A>G on the plus strand (T>C on the coding strand, the complement: MYH6 is on the minus strand). VCF-style: chr14-23407132-A-G. GRCh37 (hg19) VCF-style: chr14-23876341-A-G.
Other names: short protein forms F31S.
Identifiers: ClinVar variation 1766501 (VCV001766501.2), dbSNP rs2502212943, ClinGen allele CA389032090.

ClinVar aggregate classification (germline): Uncertain significance (1 of 4 stars; one submission).

Conditions:
Cardiovascular phenotype. Identifiers: MedGen CN230736.

Submission:

Ambry Genetics
Classification: Uncertain significance for Cardiovascular phenotype. Last evaluated: 2020-11-30. Review status: criteria provided, single submitter. Criteria: Ambry Variant Classification Scheme 2023. Collection method: clinical testing. Allele origin: germline.
Comment: The p.F31S variant (also known as c.92T>C), located in coding exon 1 of the MYH6 gene, results from a T to C substitution at nucleotide position 92. The phenylalanine at codon 31 is replaced by serine, an amino acid with highly dissimilar properties. This amino acid position is highly conserved in available vertebrate species. In addition, this alteration is predicted to be deleterious by in silico analysis. Since supporting evidence is limited at this time, the clinical significance of this alteration remains unclear.